The following is an entry in ClinVar:

ClinVar aggregate classification (germline): Conflicting classifications of pathogenicity. Review status: criteria provided, conflicting classifications (1 of 4 stars). 2 submissions from 2 submitters: Uncertain significance (1); Likely benign (1). Last evaluated 2026-04-13.

Conditions:
Inborn genetic diseases. Identifiers: MedGen C0950123, MeSH D030342.

Allele frequency attached by ClinVar (database versions not stated): gnomAD exomes 0.00001.
gnomAD v4.1: 9 of 1,216,488 alleles (0.00074%); highest among the groups gnomAD compares: Non-Finnish European, 0.00092%; no homozygotes.

Submissions (2):

Women's Health and Genetics/Laboratory Corporation of America, LabCorp
Classification: Uncertain significance. Last evaluated: 2026-04-13. Review status: criteria provided, single submitter. Criteria: LabCorp Variant Classification Summary - May 2015. Collection method: clinical testing. Allele origin: germline.
Comment: Variant summary: SOX4 c.1007C>G (p.Ala336Gly) results in a non-conservative amino acid change in the encoded protein sequence. Algorithms developed to predict the effect of missense changes on protein structure and function are either unavailable or do not agree on the potential impact of this missense change. The variant allele was found at a frequency of 0.00082 in 1224 control chromosomes. The available data on variant occurrences in the general population are insufficient to allow any conclusion about variant significance. To our knowledge, no occurrence of c.1007C>G in individuals affected with SOX4-related conditions and no experimental evidence demonstrating its impact on protein function have been reported. ClinVar contains an entry for this variant (Variation ID: 2364517). Based on the evidence outlined above, the variant was classified as uncertain significance.

Ambry Genetics
Classification: Likely benign for Inborn genetic diseases. Last evaluated: 2022-11-30. Review status: criteria provided, single submitter. Criteria: Ambry Variant Classification Scheme 2023. Collection method: clinical testing. Allele origin: germline.

NM_003107.3(SOX4):c.1007C>G (p.Ala336Gly)

Gene: SOX4 (SRY-box transcription factor 4; plus strand). Cytogenetic location: 6p22.3.
Variant type: single nucleotide variant.
Coding change: c.1007C>G on transcript NM_003107.3 (MANE Select); coding-DNA position 1007, C replaced by G.
Protein change: p.Ala336Gly; replaces alanine 336 with glycine.
Molecular consequence: missense variant.
Genome position (GRCh38, 1-based): chr6:21,595,541, C>G. VCF-style: chr6-21595541-C-G. GRCh37 (hg19) VCF-style: chr6-21595772-C-G.
Other names: short protein forms A336G.
Identifiers: ClinVar variation 2364517 (VCV002364517.3), dbSNP rs1374365321, ClinGen allele CA363271760.